The following is an entry in ClinVar:

ClinVar aggregate classification (germline): Pathogenic (1 of 4 stars; one submission).

Conditions:
Oligoasthenoteratozoospermia. Identifiers: MedGen CN372097, MONDO:0850098.

gnomAD v4.1: 2 of 1,613,920 alleles (0.00012%); highest among the groups gnomAD compares: Non-Finnish European, 0.00017%; no homozygotes.

Submission:

Fuxi Zhu Research Group, Second Affiliated Hospital of Anhui Medical University
Classification: Pathogenic for Oligoasthenoteratozoospermia. Review status: criteria provided, single submitter. Criteria: ACMG Guidelines, 2015. Collection method: research. Allele origin: maternal. Affected: yes.
Comment: The variant (NM_014641:c.5644C>T;p.R1882X) causes an amino acid substitution, resulting in a truncated protein. This variant affects the DNA damage repair function of MDC1 and interferes with the interaction of key genes involved in spermatogenesis(PMID: 16377563) and the nuclear signal of MDC1 became diffuse(internal data). Analysis of variant frequencies in the 1000 Genomes Project, gnomAD, and ExAC databases revealed that this variant is extremely rare or absent in the general population (PM2). Computational predictions from SIFT, PolyPhen-2, and MutationTaster all suggest a pathogenic effect (PP3). Based on the ACMG/AMP guidelines, this variant meets the criteria for classification as pathogenic.

Literature cited by the submitters: PubMed 16377563.

NM_014641.3(MDC1):c.5644C>T (p.Arg1882Ter)

Genes: MDC1 (mediator of DNA damage checkpoint 1; minus strand), MDC1-AS1 (MDC1 antisense RNA 1; plus strand). Cytogenetic location: 6p21.33.
Variant type: single nucleotide variant.
Coding change: c.5644C>T on transcript NM_014641.3 (MANE Select); coding-DNA position 5644, C replaced by T.
Protein change: p.Arg1882Ter; replaces arginine 1882 with a stop codon.
Molecular consequence: nonsense.
Genome position (GRCh38, 1-based): chr6:30,703,456, G>A on the plus strand (C>T on the coding strand, the complement: MDC1 is on the minus strand). VCF-style: chr6-30703456-G-A. GRCh37 (hg19) VCF-style: chr6-30671233-G-A.
Other names: short protein forms R1882*.
Identifiers: ClinVar variation 3901150 (VCV003901150.1).